The following is an entry in ClinVar:

NM_000135.4(FANCA):c.527C>G (p.Ser176Cys)

Gene: FANCA (FA complementation group A; minus strand). Cytogenetic location: 16q24.3.
Variant type: single nucleotide variant.
Coding change: c.527C>G on transcript NM_000135.4 (MANE Select); coding-DNA position 527, C replaced by G.
Protein change: p.Ser176Cys; replaces serine 176 with cysteine.
Molecular consequence: missense variant.
Genome position (GRCh38, 1-based): chr16:89,808,363, G>C on the plus strand (C>G on the coding strand, the complement: FANCA is on the minus strand). VCF-style: chr16-89808363-G-C. GRCh37 (hg19) VCF-style: chr16-89874771-G-C.
Other names: c.527C>G (NM_000135.2, NM_000135.3); c.527C>G, p.Ser176Cys (NM_001018112.3, NM_001286167.3); c.431C>G, p.Ser144Cys (NM_001351830.2); short protein forms S144C, S176C.
Identifiers: ClinVar variation 1356355 (VCV001356355.7), dbSNP rs35566151, ClinGen allele CA397479455.

ClinVar aggregate classification (germline): Uncertain significance. Review status: criteria provided, multiple submitters, no conflicts (2 of 4 stars). 4 submissions from 4 submitters: Uncertain significance (4). Last evaluated 2025-06-19.

Conditions:
Inborn genetic diseases. Identifiers: MedGen C0950123, MeSH D030342.
Fanconi anemia (FA). Also called: Fanconi's anemia. Identifiers: Orphanet 84, MedGen C0015625, MeSH D005199, MONDO:0019391.
Fanconi anemia complementation group A (FANCA). Also called: FANCA-Related Fanconi Anemia; Fanconi anemia, group A. Identifiers: Orphanet 84, MedGen C3469521, MONDO:0009215, OMIM 227650.

gnomAD v4.1: 2 of 1,614,028 alleles (0.00012%); highest among the groups gnomAD compares: South Asian, 0.0022%; no homozygotes.

Submissions (4):

Ambry Genetics
Classification: Uncertain significance for Inborn genetic diseases. Last evaluated: 2025-06-19. Review status: criteria provided, single submitter. Criteria: Ambry Variant Classification Scheme 2023. Collection method: clinical testing. Allele origin: germline.
Comment: The p.S176C variant (also known as c.527C>G), located in coding exon 6 of the FANCA gene, results from a C to G substitution at nucleotide position 527. The serine at codon 176 is replaced by cysteine, an amino acid with dissimilar properties. This amino acid position is conserved. In addition, this alteration is predicted to be tolerated by in silico analysis. Based on the available evidence, the clinical significance of this variant remains unclear.

Quest Diagnostics Nichols Institute San Juan Capistrano
Classification: Uncertain significance. Last evaluated: 2023-10-27. Review status: criteria provided, single submitter. Criteria: Quest Diagnostics criteria. Collection method: clinical testing. Allele origin: unknown.

St. Jude Molecular Pathology, St. Jude Children's Research Hospital
Classification: Uncertain significance for Fanconi anemia complementation group A. Last evaluated: 2022-11-10. Review status: criteria provided, single submitter. Criteria: St. Jude Assertion Criteria 2020. Collection method: clinical testing. Allele origin: germline.
Comment: The FANCA c.527C>G (p.Ser176Cys)  missense change is absent in gnomAD v2.1.1. The in silico tool REVEL predicts a benign effect on protein function, but to our knowledge this prediction has not been confirmed by functional studies. To our knowledge, this variant has not been reported in individuals with Fanconi anemia. In summary, the evidence currently available is insufficient to determine the clinical significance of this variant. It has therefore been classified as of uncertain significance.

Labcorp Genetics (formerly Invitae), Labcorp
Classification: Uncertain significance for Fanconi anemia. Last evaluated: 2021-09-17. Review status: criteria provided, single submitter. Criteria: Invitae Variant Classification Sherloc (09022015). Collection method: clinical testing. Allele origin: germline.
Comment: This sequence change replaces serine with cysteine at codon 176 of the FANCA protein (p.Ser176Cys). The serine residue is weakly conserved and there is a moderate physicochemical difference between serine and cysteine. This variant is not present in population databases (ExAC no frequency). This variant has not been reported in the literature in individuals with FANCA-related conditions. Advanced modeling of protein sequence and biophysical properties (such as structural, functional, and spatial information, amino acid conservation, physicochemical variation, residue mobility, and thermodynamic stability) performed at Invitae indicates that this missense variant is not expected to disrupt FANCA protein function. In summary, the available evidence is currently insufficient to determine the role of this variant in disease. Therefore, it has been classified as a Variant of Uncertain Significance.